The following is an entry in ClinVar:

NM_130839.5(UBE3A):c.153_154dup (p.Ala52fs)

Genes: SNHG14 (small nucleolar RNA host gene 14; plus strand), UBE3A (ubiquitin protein ligase E3A; minus strand). Cytogenetic location: 15q11.2.
Variant type: Microsatellite.
Coding change: c.153_154dup on transcript NM_130839.5 (MANE Select); coding-DNA positions 153 to 154, 2 bases duplicated (TG; older notation c.153_154dupTG).
Protein change: p.Ala52fs; shifts the reading frame from alanine 52.
Molecular consequence: frameshift variant. On other transcripts: 5 prime UTR variant (1), non-coding transcript variant (1).
Genome position (GRCh38, 1-based): chr15:25,375,672-25,375,673, CA duplicated on the plus strand (TG on the coding strand, the reverse complement: UBE3A is on the minus strand); duplicating any 2 consecutive bases within chr15:25,375,672-25,375,675 gives the same sequence; the c. name uses the placement nearest the transcript's 3' end. VCF-style (leftmost placement, unchanged base first): chr15-25375671-G-GCA. GRCh37 (hg19) VCF-style: chr15-25620818-G-GCA.
Other names: c.162_163dup, p.Ala55fs (NM_000462.5); c.153_154dup, p.Ala52fs (NM_001354505.1, NM_001354538.2, NM_001354545.2 and 1 more transcripts); c.93_94dup, p.Ala32fs (NM_001354506.2, NM_001354507.2, NM_001354508.2 and 18 more transcripts); c.-27TG[3] (NM_001354546.2); short protein forms A55fs, A32fs, A52fs.
Identifiers: ClinVar variation 280201 (VCV000280201.1), dbSNP rs886041451, ClinGen allele CA10603257.
Genomic context (GRCh38, chr15:25,375,671, plus strand): 5'-AGCTCGAGGGCTTTAATAGCTGCTGCATTATTATCCATACGAAGAAAAGTTGGACAGGAA[G>GCA]CACAAAACTCATTCGTGCAGGCTTCATTTCCACAGCCCTCAGTTAACTGGTGGTAGTAGC-3'

ClinVar aggregate classification (germline): Pathogenic (1 of 4 stars; one submission).

Submission:

GeneDx
Classification: Pathogenic. Last evaluated: 2015-12-21. Review status: criteria provided, single submitter. Criteria: GeneDx Variant Classification (06012015). Collection method: clinical testing. Allele origin: germline. Affected: yes.
Comment: The c.93_94dupTG pathogenic variant in the UBE3 gene has not been reported previously as a pathogenic variant nor as a benign variant, to our knowledge. The c.93_94dupTG variant causes a frameshift starting with codon Alanine 32, changes this amino acid to a Valine residue, and creates a premature Stop codon at position 58 of the new reading frame, denoted p.Ala32ValfsX58. This variant is predicted to cause loss of normal protein function either through protein truncation or nonsense-mediated mRNA decay. The c.93_94dupTG variant was not observed in approximately 6500 individuals of European and African American ancestry in the NHLBI Exome Sequencing Project, indicating it is not a common benign variant in these populations. Protein truncating pathogenic variants downstream of this variant have been reported in the Human Gene Mutation Database in association with Angelman syndrome (Stenson et al., 2014), supporting the pathogenicity of more upstream truncating variants. We interpret c.93_94dupTG as a pathogenic variant.